The following is an entry in ClinVar:

ClinVar aggregate classification (germline): Likely benign. Review status: criteria provided, multiple submitters, no conflicts (2 of 4 stars). 2 submissions from 2 submitters: Likely benign (2). Last evaluated 2025-12-02.

Conditions:
Charcot-Marie-Tooth disease type 4. Also called: Charcot-Marie-Tooth disease, type IV; Charcot-Marie-Tooth, Type 4. Identifiers: Orphanet 64749, MedGen C4082197, MONDO:0018995.
PRX-related disorder. Also called: PRX-Related Disorders; PRX-related condition.

Allele frequency attached by ClinVar (database versions not stated): gnomAD exomes 0.00003 and 0.00005; gnomAD 0.00004 and 0.00005; TOPMed 0.00005; ExAC 0.00011.
gnomAD v4.1: 69 of 1,560,138 alleles (0.0044%); highest among the groups gnomAD compares: Non-Finnish European, 0.0055%; no homozygotes.

Submissions (2):

PreventionGenetics, part of Exact Sciences
Classification: Likely benign for PRX-related condition. Last evaluated: 2025-12-02. Review status: criteria provided, single submitter. Criteria: ACMG Guidelines, 2015. Collection method: clinical testing. Allele origin: germline.
Comment: This variant is classified as likely benign based on ACMG/AMP sequence variant interpretation guidelines (Richards et al. 2015 PMID: 25741868, with internal and published modifications).

Labcorp Genetics (formerly Invitae), Labcorp
Classification: Likely benign for Charcot-Marie-Tooth disease type 4. Last evaluated: 2025-09-21. Review status: criteria provided, single submitter. Criteria: Invitae Variant Classification Sherloc (09022015). Collection method: clinical testing. Allele origin: germline.

NM_181882.3(PRX):c.624C>T (p.Ala208=)

Gene: PRX (periaxin; minus strand). Cytogenetic location: 19q13.2.
Variant type: single nucleotide variant.
Coding change: c.624C>T on transcript NM_181882.3 (MANE Select); coding-DNA position 624, C replaced by T.
Protein change: p.Ala208=; no amino-acid change (alanine 208 retained).
Molecular consequence: synonymous variant. On other transcripts: 3 prime UTR variant (1).
Genome position (GRCh38, 1-based): chr19:40,397,728, G>A on the plus strand (C>T on the coding strand, the complement: PRX is on the minus strand). VCF-style: chr19-40397728-G-A. GRCh37 (hg19) VCF-style: chr19-40903635-G-A.
Other names: c.*829C>T (NM_020956.2).
Identifiers: ClinVar variation 699125 (VCV000699125.11), dbSNP rs777019611, ClinGen allele CA9444413.